The following is an entry in ClinVar:

ClinVar aggregate classification (germline): Pathogenic (1 of 4 stars; one submission).

Submission:

Labcorp Genetics (formerly Invitae), Labcorp
Classification: Pathogenic. Last evaluated: 2022-12-31. Review status: criteria provided, single submitter. Criteria: Invitae Variant Classification Sherloc (09022015). Collection method: clinical testing. Allele origin: germline.
Comment: For these reasons, this variant has been classified as Pathogenic. ClinVar contains an entry for this variant (Variation ID: 1458904). This premature translational stop signal has been observed in individual(s) with autosomal recessive congenital ichthyosis (PMID: 18948357). This variant is not present in population databases (gnomAD no frequency). This sequence change creates a premature translational stop signal (p.Tyr312Ilefs*23) in the TGM1 gene. It is expected to result in an absent or disrupted protein product. Loss-of-function variants in TGM1 are known to be pathogenic (PMID: 18948357, 19241467).

Literature cited by the submitters: PubMed 18948357; PubMed 19241467.

NM_000359.3(TGM1):c.932dup (p.Tyr312fs)

Gene: TGM1 (transglutaminase 1; minus strand). Cytogenetic location: 14q12.
Variant type: Duplication.
Coding change: c.932dup on transcript NM_000359.3 (MANE Select); coding-DNA position 932, one base duplicated (C; older notation c.932dupC).
Protein change: p.Tyr312fs; shifts the reading frame from tyrosine 312.
Molecular consequence: frameshift variant.
Genome position (GRCh38, 1-based): chr14:24,259,756, G duplicated on the plus strand (C on the coding strand, the reverse complement: TGM1 is on the minus strand); the first of 2 consecutive G bases (chr14:24,259,756-24,259,757); duplicating either gives the same sequence. VCF-style (leftmost placement, unchanged base first): chr14-24259755-T-TG. GRCh37 (hg19) VCF-style: chr14-24728961-T-TG.
Other names: short protein forms Y312fs.
Identifiers: ClinVar variation 1458904 (VCV001458904.8), dbSNP rs2139024981, ClinGen allele CA2573149812.